The following is an entry in ClinVar:

ClinVar aggregate classification (germline): Likely benign (1 of 4 stars; one submission).

Conditions:
SEMA7A-related disorder. Also called: SEMA7A-related condition.

gnomAD v4.1: 43 of 1,611,872 alleles (0.0027%); highest among the groups gnomAD compares: South Asian, 0.046%; 1 homozygote.

Submission:

PreventionGenetics, part of Exact Sciences
Classification: Likely benign for SEMA7A-related condition. Last evaluated: 2026-09-18. Review status: criteria provided, single submitter. Criteria: ACMG Guidelines, 2015. Collection method: clinical testing. Allele origin: germline.
Comment: This variant is classified as likely benign based on ACMG/AMP sequence variant interpretation guidelines (Richards et al. 2015 PMID: 25741868, with internal and published modifications).

NM_003612.5(SEMA7A):c.551-5C>A

Gene: SEMA7A (semaphorin 7A (JohnMiltonHagen blood group); minus strand). Cytogenetic location: 15q24.1.
Variant type: single nucleotide variant.
Coding change: c.551-5C>A on transcript NM_003612.5 (MANE Select); 5 bases into the intron before coding-DNA position 551, C replaced by A.
Molecular consequence: intron variant.
Genome position (GRCh38, 1-based): chr15:74,417,450, G>T on the plus strand (C>A on the coding strand, the complement: SEMA7A is on the minus strand). VCF-style: chr15-74417450-G-T. GRCh37 (hg19) VCF-style: chr15-74709791-G-T.
Other names: c.509-5C>A (NM_001146029.3); c.56-5C>A (NM_001146030.3).
Identifiers: ClinVar variation 4984965 (VCV004984965.1).